The following is an entry in ClinVar:

ClinVar aggregate classification (germline): Likely benign (1 of 4 stars; one submission).

gnomAD v4.1: 15 of 1,554,924 alleles (0.00096%); highest among the groups gnomAD compares: South Asian, 0.014%; no homozygotes.

Submission:

GeneDx
Classification: Likely benign. Last evaluated: 2018-04-30. Review status: criteria provided, single submitter. Criteria: GeneDx Variant Classification (06012015). Collection method: clinical testing. Allele origin: germline. Affected: yes.
Comment: This variant is considered likely benign or benign based on one or more of the following criteria: it is a conservative change, it occurs at a poorly conserved position in the protein, it is predicted to be benign by multiple in silico algorithms, and/or has population frequency not consistent with disease.

NM_001852.4(COL9A2):c.-7G>A

Gene: COL9A2 (collagen type IX alpha 2 chain; minus strand). Cytogenetic location: 1p34.2.
Variant type: single nucleotide variant.
Coding change: c.-7G>A on transcript NM_001852.4 (MANE Select); 7 bases upstream of the start codon, G replaced by A.
Molecular consequence: 5 prime UTR variant.
Genome position (GRCh38, 1-based): chr1:40,317,204, C>T on the plus strand (G>A on the coding strand, the complement: COL9A2 is on the minus strand). VCF-style: chr1-40317204-C-T. GRCh37 (hg19) VCF-style: chr1-40782876-C-T.
Identifiers: ClinVar variation 682481 (VCV000682481.1), dbSNP rs768499491, ClinGen allele CA522417679.